The following is an entry in ClinVar:

NM_020719.3(PRR12):c.2600G>A (p.Arg867His)

Gene: PRR12 (proline rich 12; plus strand). Cytogenetic location: 19q13.33.
Variant type: single nucleotide variant.
Coding change: c.2600G>A on transcript NM_020719.3 (MANE Select); coding-DNA position 2600, G replaced by A.
Protein change: p.Arg867His; replaces arginine 867 with histidine.
Molecular consequence: missense variant.
Genome position (GRCh38, 1-based): chr19:49,596,935, G>A. VCF-style: chr19-49596935-G-A. GRCh37 (hg19) VCF-style: chr19-50100192-G-A.
Other names: c.2600G>A (NM_020719.2); short protein forms R867H.
Identifiers: ClinVar variation 2400505 (VCV002400505.28), dbSNP rs181265966, ClinGen allele CA9578154.

ClinVar aggregate classification (germline): Likely benign. Review status: criteria provided, multiple submitters, no conflicts (2 of 4 stars). 4 submissions from 4 submitters: Likely benign (3). 1 of the submissions does not count toward it. Last evaluated 2025-07-01.

Conditions:
Inborn genetic diseases. Identifiers: MedGen C0950123, MeSH D030342.
PRR12-related disorder. Also called: PRR12-related condition.

Allele frequency attached by ClinVar (database versions not stated): 1000 Genomes Project 0.00060; 1000 Genomes Project 30x 0.00094; ESP Exome Variant Server 0.00146; TOPMed 0.00214; ExAC 0.00362.

Submissions (4):

CeGaT Center for Human Genetics Tuebingen
Classification: Likely benign. Last evaluated: 2025-07-01. Review status: criteria provided, single submitter. Criteria: CeGaT Center For Human Genetics Tuebingen Variant Classification Criteria Version 2. Collection method: clinical testing. Allele origin: germline. Affected: yes. Observed: 6 variant alleles.
Comment: PRR12: BS1

Blueprint Genetics
Classification: Likely benign. Last evaluated: 2024-11-18. Review status: criteria provided, single submitter. Criteria: ACMG Guidelines, 2015. Collection method: clinical testing. Allele origin: germline.

Ambry Genetics
Classification: Likely benign for Inborn genetic diseases. Last evaluated: 2022-09-27. Review status: criteria provided, single submitter. Criteria: Ambry Variant Classification Scheme 2023. Collection method: clinical testing. Allele origin: germline.

PreventionGenetics, part of Exact Sciences
Classification: Likely benign for PRR12-related condition. Last evaluated: 2022-04-29. Review status: no assertion criteria provided. Collection method: clinical testing. Allele origin: germline. Not counted in ClinVar's aggregate classification.
Comment: This variant is classified as likely benign based on ACMG/AMP sequence variant interpretation guidelines (Richards et al. 2015 PMID: 25741868, with internal and published modifications).